The following is an entry in ClinVar:

NM_020778.5(ALPK3):c.1199A>G (p.Gln400Arg)

Gene: ALPK3 (alpha kinase 3; plus strand). Cytogenetic location: 15q25.3.
Variant type: single nucleotide variant.
Coding change: c.1199A>G on transcript NM_020778.5 (MANE Select); coding-DNA position 1199, A replaced by G.
Protein change: p.Gln400Arg; replaces glutamine 400 with arginine.
Molecular consequence: missense variant.
Genome position (GRCh38, 1-based): chr15:84,840,478, A>G. VCF-style: chr15-84840478-A-G. GRCh37 (hg19) VCF-style: chr15-85383709-A-G.
Other names: p.Gln602Arg; short protein forms Q602R, Q400R.
Identifiers: ClinVar variation 384735 (VCV000384735.30), dbSNP rs55702300, ClinGen allele CA7709138.

ClinVar aggregate classification (germline): Benign/Likely benign. Review status: criteria provided, multiple submitters, no conflicts (2 of 4 stars). 12 submissions from 12 submitters: Benign (7); Likely benign (2). 3 of the submissions do not count toward it. Last evaluated 2026-02-04.

Conditions:
Cardiomyopathy, familial hypertrophic 27. Identifiers: MedGen C4748014, MONDO:0054838, OMIM 618052.
Cardiovascular phenotype. Identifiers: MedGen CN230736.
ALPK3-related disorder. Also called: ALPK3-related condition.

Allele frequency attached by ClinVar (database versions not stated): 1000 Genomes Project 0.01258; 1000 Genomes Project 30x 0.01280; TOPMed 0.02022; ExAC 0.02098; gnomAD exomes 0.02115 and 0.02944; gnomAD 0.02151 and 0.02213; ESP Exome Variant Server 0.02292.

Submissions (12):

Labcorp Genetics (formerly Invitae), Labcorp
Classification: Benign. Last evaluated: 2026-02-04. Review status: criteria provided, single submitter. Criteria: Invitae Variant Classification Sherloc (09022015). Collection method: clinical testing. Allele origin: germline.

Molecular Diagnostic Laboratory for Inherited Cardiovascular Disease, Montreal Heart Institute
Classification: Likely benign. Last evaluated: 2025-04-09. Review status: criteria provided, single submitter. Criteria: ACMG Guidelines, 2015. Collection method: clinical testing. Allele origin: germline. Affected: no.

ARUP Laboratories, Molecular Genetics and Genomics, ARUP Laboratories
Classification: Benign for Cardiomyopathy, familial hypertrophic 27. Last evaluated: 2025-03-26. Review status: criteria provided, single submitter. Criteria: ARUP Molecular Germline Variant Investigation Process 2024. Collection method: clinical testing. Allele origin: germline.

Blueprint Genetics
Classification: Benign. Last evaluated: 2024-11-27. Review status: criteria provided, single submitter. Criteria: ACMG Guidelines, 2015. Collection method: clinical testing. Allele origin: germline.

Women's Health and Genetics/Laboratory Corporation of America, LabCorp
Classification: Likely benign. Last evaluated: 2023-04-10. Review status: criteria provided, single submitter. Criteria: LabCorp Variant Classification Summary - May 2015. Collection method: clinical testing. Allele origin: germline.

Mayo Clinic Laboratories, Mayo Clinic
Classification: Benign. Last evaluated: 2023-01-12. Review status: criteria provided, single submitter. Criteria: ACMG Guidelines, 2015. Collection method: clinical testing. Allele origin: germline. Observed: 58 variant alleles.
Comment: BS1, BS2, BP4

Ambry Genetics
Classification: Benign for Cardiovascular phenotype. Last evaluated: 2018-12-20. Review status: criteria provided, single submitter. Criteria: Ambry Variant Classification Scheme 2023. Collection method: clinical testing. Allele origin: germline.

GeneDx
Classification: Benign. Last evaluated: 2016-10-14. Review status: criteria provided, single submitter. Criteria: GeneDx Variant Classification (06012015). Collection method: clinical testing. Allele origin: germline. Affected: yes.
Comment: This variant is considered likely benign or benign based on one or more of the following criteria: it is a conservative change, it occurs at a poorly conserved position in the protein, it is predicted to be benign by multiple in silico algorithms, and/or has population frequency not consistent with disease.

Breakthrough Genomics
Classification: Benign. Review status: criteria provided, single submitter. Criteria: ACMG Guidelines, 2015. Collection method: not provided. Allele origin: germline. Inheritance: Autosomal recessive inheritance. Affected: yes.

PreventionGenetics, part of Exact Sciences
Classification: Benign for ALPK3-related condition. Last evaluated: 2019-02-22. Review status: no assertion criteria provided. Collection method: clinical testing. Allele origin: germline. Not counted in ClinVar's aggregate classification.
Comment: This variant is classified as benign based on ACMG/AMP sequence variant interpretation guidelines (Richards et al. 2015 PMID: 25741868, with internal and published modifications).

Clinical Genetics DNA and cytogenetics Diagnostics Lab, Erasmus MC, Erasmus Medical Center
Classification: Benign. Review status: no assertion criteria provided. Collection method: clinical testing. Allele origin: germline. Affected: yes. Study: VKGL Data-share Consensus. Not counted in ClinVar's aggregate classification.

Clinical Genetics, Academic Medical Center
Classification: Benign. Review status: no assertion criteria provided. Collection method: clinical testing. Allele origin: germline. Affected: yes. Study: VKGL Data-share Consensus. Not counted in ClinVar's aggregate classification.